The following is an entry in ClinVar:

NM_004036.5(ADCY3):c.2698G>A (p.Val900Met)

Gene: ADCY3 (adenylate cyclase 3; minus strand). Cytogenetic location: 2p23.3.
Variant type: single nucleotide variant.
Coding change: c.2698G>A on transcript NM_004036.5 (MANE Select); coding-DNA position 2698, G replaced by A.
Protein change: p.Val900Met; replaces valine 900 with methionine.
Molecular consequence: missense variant.
Genome position (GRCh38, 1-based): chr2:24,824,416, C>T on the plus strand (G>A on the coding strand, the complement: ADCY3 is on the minus strand). VCF-style: chr2-24824416-C-T. GRCh37 (hg19) VCF-style: chr2-25047285-C-T.
Other names: c.2701G>A (NM_001320613.1); c.2701G>A, p.Val901Met (NM_001320613.2); c.2764G>A, p.Val922Met (NM_001377128.1); c.2560G>A, p.Val854Met (NM_001377129.1); c.2293G>A, p.Val765Met (NM_001377130.1); c.1975G>A, p.Val659Met (NM_001377131.1); c.2698G>A, p.Val900Met (NM_001377132.1); short protein forms V659M, V765M, V854M, V900M, V901M, V922M.
Identifiers: ClinVar variation 4537399 (VCV004537399.3).

ClinVar aggregate classification (germline): Uncertain significance. Review status: criteria provided, multiple submitters, no conflicts (2 of 4 stars). 2 submissions from 2 submitters: Uncertain significance (2). Last evaluated 2026-04-28.

Conditions:
BODY MASS INDEX QUANTITATIVE TRAIT LOCUS 19 (BMIQ19). Also called: OBESITY (BMIQ19), SUSCEPTIBILITY TO. Identifiers: MedGen C4693522, OMIM 617885.
ADCY3-related disorder. Also called: ADCY3-related condition.

gnomAD v4.1: 9 of 1,614,218 alleles (0.00056%); highest among the groups gnomAD compares: Admixed American, 0.0017%; no homozygotes.

Submissions (2):

PreventionGenetics, part of Exact Sciences
Classification: Uncertain significance for ADCY3-related condition. Last evaluated: 2026-04-28. Review status: criteria provided, single submitter. Criteria: ACMG Guidelines, 2015. Collection method: clinical testing. Allele origin: germline.
Comment: The ADCY3 c.2701G>A variant is predicted to result in the amino acid substitution p.Val901Met. To our knowledge, this variant has not been reported in the literature. This variant is reported in 0.00088% of alleles in individuals of European (Non-Finnish) descent in gnomAD. At this time, the clinical significance of this variant is uncertain due to the absence of conclusive functional and genetic evidence.

Institute for Medical Genetics and Human Genetics, Charité - Universitätsmedizin Berlin
Classification: Uncertain significance for BODY MASS INDEX QUANTITATIVE TRAIT LOCUS 19. Review status: criteria provided, single submitter. Criteria: ACMG Guidelines, 2015. Collection method: not provided. Allele origin: germline. Inheritance: Autosomal recessive inheritance. Affected: yes.